The following is an entry in ClinVar:

ClinVar aggregate classification (germline): Pathogenic/Likely pathogenic. Review status: criteria provided, multiple submitters, no conflicts (2 of 4 stars). 9 submissions from 9 submitters: Pathogenic (5); Likely pathogenic (1). 3 of the submissions do not count toward it. Last evaluated 2025-08-07.

Conditions:
Spastic paraplegia. Identifiers: MedGen C0037772, HP:0001258.
Hereditary spastic paraplegia 50 (SPG50). Also called: Spastic paraplegia 50, autosomal recessive. Identifiers: Orphanet 280763, MedGen C2752008, MONDO:0013048, OMIM 612936.

Allele frequency attached by ClinVar (database versions not stated): ExAC 0.00003; gnomAD 0.00004; TOPMed 0.00004.

Submissions (9):

Dasa
Classification: Pathogenic. Last evaluated: 2025-08-07. Review status: criteria provided, single submitter. Criteria: DASA Assertion Criteria. Collection method: clinical testing. Allele origin: germline.
Comment: NM_004722.4(AP4M1):c.1012C>T (p.Arg338*) introduces a premature termination codon predicted to result in loss of normal protein function. Loss-of-function is an established mechanism of disease for this gene. Segregation evidence has been reported in affected families. This variant has been observed in affected individuals with related phenotype in a genotype context consistent with recessive disease (PMID: 24700674; PMID: 28464862). This variant has been recurrently observed in individuals with related phenotype (PMID: 24700674; PMID: 28464862). The variant is present at low frequency in population datasets. Based on the available data, this variant is classified as pathogenic.

Labcorp Genetics (formerly Invitae), Labcorp
Classification: Pathogenic for Hereditary spastic paraplegia 50. Last evaluated: 2025-05-12. Review status: criteria provided, single submitter. Criteria: Invitae Variant Classification Sherloc (09022015). Collection method: clinical testing. Allele origin: germline.
Comment: This sequence change creates a premature translational stop signal (p.Arg338*) in the AP4M1 gene. It is expected to result in an absent or disrupted protein product. Loss-of-function variants in AP4M1 are known to be pathogenic (PMID: 24700674, 25496299, 25558065). This variant is present in population databases (rs146262009, gnomAD 0.009%). This premature translational stop signal has been observed in individuals with spastic paraplegia (PMID: 24700674, 28464862). It has also been observed to segregate with disease in related individuals. ClinVar contains an entry for this variant (Variation ID: 209980). Algorithms developed to predict the effect of sequence changes on RNA splicing suggest that this variant may disrupt the consensus splice site. For these reasons, this variant has been classified as Pathogenic.

GeneDx
Classification: Pathogenic. Last evaluated: 2022-12-02. Review status: criteria provided, single submitter. Criteria: GeneDx Variant Classification Process June 2021. Collection method: clinical testing. Allele origin: germline. Affected: yes.
Comment: Nonsense variant predicted to result in protein truncation or nonsense mediated decay in a gene for which loss of function is a known mechanism of disease; This variant is associated with the following publications: (PMID: 31589614, 34402213, 25496299, 24700674, 25558065, 32979048, 28464862)

Child Neurology Department, Hôpital Universitaire de Bruxelles
Classification: Likely pathogenic for Hereditary spastic paraplegia 50. Last evaluated: 2020-01-01. Review status: criteria provided, single submitter. Criteria: ACMG Guidelines, 2015. Collection method: clinical testing. Allele origin: inherited. Affected: yes.

3billion
Classification: Pathogenic for Hereditary spastic paraplegia 50. Review status: criteria provided, single submitter. Criteria: ACMG Guidelines, 2015. Collection method: clinical testing. Allele origin: unknown. Affected: yes. Observed: 1 homozygote.
Comment: The variant is observed at an extremely low frequency in the gnomAD v2.1.1 dataset (total allele frequency: 0.004%). The variant is predicted to result in a loss or disruption of normal protein function through nonsense-mediated decay (NMD) or protein truncation. Multiple pathogenic variants are reported downstream of the variant. The variant has been reported at least twice as pathogenic without evidence for the classification (ClinVar ID: VCV000209980 / PMID: 24700674). Therefore, this variant is classified as Pathogenic according to the recommendation of ACMG/AMP guideline.

Juno Genomics, Hangzhou Juno Genomics, Inc
Classification: Pathogenic for Hereditary spastic paraplegia 50. Review status: criteria provided, single submitter. Criteria: ACMG Guidelines, 2015. Collection method: clinical testing. Allele origin: germline. Affected: yes.
Comment: Absent from controls (or at extremely low frequency if recessive) in Genome Aggregation Database.;Null variant in a gene where loss of function (LOF) is a known mechanism of disease.;For recessive disorders, detected in trans with a pathogenic variant.;Co-segregation with disease in multiple affected family members.;Patient's phenotype or family history is highly specific for a disease with a single genetic etiology.

Yale Center for Mendelian Genomics, Yale University
Classification: Likely pathogenic for Spastic paraplegia. Last evaluated: 2020-10-01. Review status: no assertion criteria provided. Collection method: literature only. Allele origin: germline. Affected: yes. Observed: 3 homozygotes. Study: Yale Center for Mendelian Genomics. Not counted in ClinVar's aggregate classification.

OMIM
Classification: Pathogenic for SPASTIC PARAPLEGIA 50, AUTOSOMAL RECESSIVE. Last evaluated: 2014-07-01. Review status: no assertion criteria provided. Collection method: literature only. Allele origin: germline. Not counted in ClinVar's aggregate classification.

Clinical Genetics Laboratory, CHRU Nancy
Classification: Pathogenic for Hereditary spastic paraplegia 50. Review status: no assertion criteria provided. Collection method: clinical testing. Allele origin: inherited. Inheritance: Autosomal recessive inheritance. Affected: yes. Observed: 1 homozygote. Not counted in ClinVar's aggregate classification.

Literature cited by the submitters: PubMed 24700674 (cited by 5 submitters); PubMed 28464862 (cited by Dasa and Labcorp Genetics (formerly Invitae), Labcorp); PubMed 25496299 (cited by Labcorp Genetics (formerly Invitae), Labcorp); PubMed 25558065 (cited by Labcorp Genetics (formerly Invitae), Labcorp); PubMed 32979048 (cited by Yale Center for Mendelian Genomics, Yale University); PubMed 36371792 (cited by Clinical Genetics Laboratory, CHRU Nancy).

NM_004722.4(AP4M1):c.1012C>T (p.Arg338Ter)

Gene: AP4M1 (adaptor related protein complex 4 subunit mu 1; plus strand). Cytogenetic location: 7q22.1.
Variant type: single nucleotide variant.
Coding change: c.1012C>T on transcript NM_004722.4 (MANE Select); coding-DNA position 1012, C replaced by T.
Protein change: p.Arg338Ter; replaces arginine 338 with a stop codon.
Molecular consequence: nonsense.
Genome position (GRCh38, 1-based): chr7:100,106,278, C>T. VCF-style: chr7-100106278-C-T. GRCh37 (hg19) VCF-style: chr7-99703901-C-T.
Other names: c.1033C>T, p.Arg345Ter (NM_001363671.2); short protein forms R338*, R345*.
Identifiers: ClinVar variation 209980 (VCV000209980.38), dbSNP rs146262009, ClinGen allele CA346965.